The following is an entry in ClinVar:

ClinVar aggregate classification (germline): Uncertain significance. Review status: criteria provided, multiple submitters, no conflicts (2 of 4 stars). 3 submissions from 3 submitters: Uncertain significance (3). Last evaluated 2025-09-10.

Conditions:
Cystic fibrosis (CF). Also called: MUCOVISCIDOSIS. Identifiers: Orphanet 586, MedGen C0010674, MONDO:0009061, OMIM 219700. Disease mechanism: loss of function.

Allele frequency attached by ClinVar (database versions not stated): ExAC 0.00002; gnomAD 0.00001; gnomAD exomes 0.00002.
gnomAD v4.1: 29 of 1,612,570 alleles (0.0018%); highest among the groups gnomAD compares: South Asian, 0.03%; no homozygotes.

Submissions (3):

Women's Health and Genetics/Laboratory Corporation of America, LabCorp
Classification: Uncertain significance. Last evaluated: 2025-09-10. Review status: criteria provided, single submitter. Criteria: LabCorp Variant Classification Summary - May 2015. Collection method: clinical testing. Allele origin: germline.
Comment: Variant summary: CFTR c.3689T>C (p.Ile1230Thr) results in a non-conservative amino acid change located in the ABC transporter-like, ATP-binding domain (IPR003439) of the encoded protein sequence. Algorithms developed to predict the effect of missense changes on protein structure and function all suggest that this variant is likely to be disruptive. The variant allele was found at a frequency of 3.2e-05 in 249504 control chromosomes. The available data on variant occurrences in the general population are insufficient to allow any conclusion about variant significance. To our knowledge, no occurrence of c.3689T>C in individuals affected with CFTR-related conditions and no experimental evidence demonstrating its impact on protein function have been reported. ClinVar contains an entry for this variant (Variation ID: 2136606). Based on the evidence outlined above, the variant was classified as uncertain significance.

ARUP Laboratories, Molecular Genetics and Genomics, ARUP Laboratories
Classification: Uncertain significance. Last evaluated: 2023-09-20. Review status: criteria provided, single submitter. Criteria: ARUP Molecular Germline Variant Investigation Process 2024. Collection method: clinical testing. Allele origin: germline.
Comment: The CFTR c.3689T>C; p.Ile1230Thr variant (rs775263210) has been described in at least one individual affected with oligoasthenoteratozoospermia, who had no history of lung disease or pancreatic insufficiency (see link to SickKids database, Pallares-Ruiz 1999). This variant is reported in ClinVar (Variation ID: 2136606), and is found in the South Asian population with an allele frequency of 0.026% (8/30,598 alleles) in the Genome Aggregation Database. Computational analyses predict that this variant is deleterious (REVEL: 0.911). However, due to limited clinical and functional information regarding this variant, its clinical significance cannot be determined with certainty. References: Link to SickKids Database: Pallares-Ruiz N et al. Complete mutational screening of the cystic fibrosis transmembrane conductance regulator gene: cystic fibrosis mutations are not involved in healthy men with reduced sperm quality. Hum Reprod. 1999 Dec;14(12):3035-40. PMID: 10601093.

Labcorp Genetics (formerly Invitae), Labcorp
Classification: Uncertain significance for Cystic fibrosis. Last evaluated: 2022-11-08. Review status: criteria provided, single submitter. Criteria: Invitae Variant Classification Sherloc (09022015). Collection method: clinical testing. Allele origin: germline.
Comment: In summary, the available evidence is currently insufficient to determine the role of this variant in disease. Therefore, it has been classified as a Variant of Uncertain Significance. Advanced modeling of protein sequence and biophysical properties (such as structural, functional, and spatial information, amino acid conservation, physicochemical variation, residue mobility, and thermodynamic stability) performed at Invitae indicates that this missense variant is expected to disrupt CFTR protein function. This variant has not been reported in the literature in individuals affected with CFTR-related conditions. This variant is present in population databases (rs775263210, gnomAD 0.03%). This sequence change replaces isoleucine, which is neutral and non-polar, with threonine, which is neutral and polar, at codon 1230 of the CFTR protein (p.Ile1230Thr).

Literature cited by the submitters: PubMed 10923036 (cited by Women's Health and Genetics/Laboratory Corporation of America, LabCorp).

NM_000492.4(CFTR):c.3689T>C (p.Ile1230Thr)

Genes: CFTR (CF transmembrane conductance regulator; plus strand), CFTR-AS2 (CFTR antisense RNA 2; minus strand). Cytogenetic location: 7q31.2.
Variant type: single nucleotide variant.
Coding change: c.3689T>C on transcript NM_000492.4 (MANE Select); coding-DNA position 3689, T replaced by C.
Protein change: p.Ile1230Thr; replaces isoleucine 1230 with threonine.
Molecular consequence: missense variant.
Genome position (GRCh38, 1-based): chr7:117,627,742, T>C. VCF-style: chr7-117627742-T-C. GRCh37 (hg19) VCF-style: chr7-117267796-T-C.
Other names: short protein forms I1230T.
Identifiers: ClinVar variation 2136606 (VCV002136606.7), dbSNP rs775263210, ClinGen allele CA4451517.